The following is an entry in ClinVar:

ClinVar aggregate classification (germline): Pathogenic. Review status: criteria provided, multiple submitters, no conflicts (2 of 4 stars). 2 submissions from 2 submitters: Pathogenic (2). Last evaluated 2025-04-08.

Conditions:
Jeune thoracic dystrophy. Also called: Jeune syndrome; Infantile thoracic dystrophy; Thoracic pelvic phalangeal dystrophy; Jeune's syndrome; Chondroectodermal dysplasia-like syndrome; Short-rib thoracic dysplasia. Identifiers: Orphanet 474, MedGen C0265275, MONDO:0018770.
Asphyxiating thoracic dystrophy 3. Also called: Saldino-Noonan Syndrome; SHORT-RIB THORACIC DYSPLASIA 3 WITH OR WITHOUT POLYDACTYLY; POLYDACTYLY WITH NEONATAL CHONDRODYSTROPHY, TYPE I; SHORT-RIB THORACIC DYSPLASIA 3/6 WITH POLYDACTYLY, DIGENIC; Short rib polydactyly syndrome 2B. Identifiers: Orphanet 474, Orphanet 93269, Orphanet 93270, Orphanet 93271, MedGen C0036069, MONDO:0013127, OMIM 613091.

Allele frequency attached by ClinVar (database versions not stated): ExAC 0.00001.
gnomAD v4.1: 1 of 1,609,380 alleles (0.000062%); highest among the groups gnomAD compares: South Asian, 0.0011%; no homozygotes.

Submissions (2):

Myriad Genetics, Inc.
Classification: Pathogenic for Asphyxiating thoracic dystrophy 3. Last evaluated: 2025-04-08. Review status: criteria provided, single submitter. Criteria: Myriad Autosomal Dominant, Autosomal Recessive and X-Linked Classification Criteria (2023). Collection method: clinical testing. Allele origin: unknown.
Comment: NM_001377.2(DYNC2H1):c.2736C>A(C912*) is expected to be pathogenic in the context of DYNC2H1-related disorders. This variant is predicted to lead to an abnormal or absent protein product due to the creation of a premature termination codon in DYNC2H1, a gene where loss-of-function variants are known to be pathogenic. Please note: this variant was assessed in the context of healthy population screening.

Labcorp Genetics (formerly Invitae), Labcorp
Classification: Pathogenic for Jeune thoracic dystrophy. Last evaluated: 2023-12-08. Review status: criteria provided, single submitter. Criteria: Invitae Variant Classification Sherloc (09022015). Collection method: clinical testing. Allele origin: germline.
Comment: This sequence change creates a premature translational stop signal (p.Cys912*) in the DYNC2H1 gene. It is expected to result in an absent or disrupted protein product. Loss-of-function variants in DYNC2H1 are known to be pathogenic (PMID: 23339108, 32753734, 33755199). This variant is present in population databases (rs763317497, gnomAD 0.003%). This variant has not been reported in the literature in individuals affected with DYNC2H1-related conditions. Algorithms developed to predict the effect of sequence changes on RNA splicing suggest that this variant may disrupt the consensus splice site. For these reasons, this variant has been classified as Pathogenic.

Literature cited by the submitters: PubMed 23339108 (cited by Labcorp Genetics (formerly Invitae), Labcorp); PubMed 32753734 (cited by Labcorp Genetics (formerly Invitae), Labcorp); PubMed 33755199 (cited by Labcorp Genetics (formerly Invitae), Labcorp).

NM_001377.3(DYNC2H1):c.2736C>A (p.Cys912Ter)

Gene: DYNC2H1 (dynein cytoplasmic 2 heavy chain 1; plus strand). Cytogenetic location: 11q22.3.
Variant type: single nucleotide variant.
Coding change: c.2736C>A on transcript NM_001377.3 (MANE Select); coding-DNA position 2736, C replaced by A.
Protein change: p.Cys912Ter; replaces cysteine 912 with a stop codon.
Molecular consequence: nonsense.
Genome position (GRCh38, 1-based): chr11:103,147,805, C>A. VCF-style: chr11-103147805-C-A. GRCh37 (hg19) VCF-style: chr11-103018534-C-A.
Other names: c.2736C>A, p.Cys912Ter (NM_001080463.2); short protein forms C912*.
Identifiers: ClinVar variation 2700310 (VCV002700310.4), dbSNP rs763317497, ClinGen allele CA6253152.